The following is an entry in ClinVar:

NM_000455.5(STK11):c.31A>T (p.Met11Leu)

Gene: STK11 (serine/threonine kinase 11; plus strand). Cytogenetic location: 19p13.3.
Variant type: single nucleotide variant.
Coding change: c.31A>T on transcript NM_000455.5 (MANE Select); coding-DNA position 31, A replaced by T.
Protein change: p.Met11Leu; replaces methionine 11 with leucine.
Molecular consequence: missense variant.
Genome position (GRCh38, 1-based): chr19:1,206,944, A>T. VCF-style: chr19-1206944-A-T. GRCh37 (hg19) VCF-style: chr19-1206943-A-T.
Other names: short protein forms M11L.
Identifiers: ClinVar variation 573702 (VCV000573702.34), dbSNP rs753834428, ClinGen allele CA402943119.

ClinVar aggregate classification (germline): Conflicting classifications of pathogenicity. Review status: criteria provided, conflicting classifications (1 of 4 stars). 8 submissions from 8 submitters: Uncertain significance (7); Likely benign (1). Last evaluated 2026-08-10.

Conditions:
STK11-related disorder. Also called: STK11-related condition.
Hereditary cancer-predisposing syndrome. Also called: Neoplastic Syndromes, Hereditary; Hereditary Cancer Syndrome; Hereditary neoplastic syndrome; Tumor predisposition. Identifiers: Orphanet 140162, MedGen C0027672, MeSH D009386, MONDO:0015356.
Peutz-Jeghers syndrome (PJS). Also called: POLYPOSIS, HAMARTOMATOUS INTESTINAL; POLYPS-AND-SPOTS SYNDROME; Peutz-Jeghers polyposis; Periorificial lentiginosis syndrome. Identifiers: Orphanet 2869, MedGen C0031269, MeSH D010580, MONDO:0008280, OMIM 175200.

Allele frequency attached by ClinVar (database versions not stated): gnomAD exomes below 0.00001.

Submissions (8):

Ambry Genetics
Classification: Likely benign for Hereditary cancer-predisposing syndrome. Last evaluated: 2026-08-10. Review status: criteria provided, single submitter. Criteria: Ambry Variant Classification Scheme 2023. Collection method: clinical testing. Allele origin: germline.

PreventionGenetics, part of Exact Sciences
Classification: Uncertain significance for STK11-related condition. Last evaluated: 2026-06-02. Review status: criteria provided, single submitter. Criteria: ACMG Guidelines, 2015. Collection method: clinical testing. Allele origin: germline.
Comment: The STK11 c.31A>T variant is predicted to result in the amino acid substitution p.Met11Leu. To our knowledge, this variant has not been reported in the literature. This variant is reported in 0.00098% of alleles in individuals of European (Non-Finnish) descent in gnomAD and is classified as uncertain in ClinVar (Variation ID: 573702). At this time, the clinical significance of this variant is uncertain due to the absence of conclusive functional and genetic evidence.

Labcorp Genetics (formerly Invitae), Labcorp
Classification: Uncertain significance for Peutz-Jeghers syndrome. Last evaluated: 2025-07-14. Review status: criteria provided, single submitter. Criteria: Invitae Variant Classification Sherloc (09022015). Collection method: clinical testing. Allele origin: germline.
Comment: This sequence change replaces methionine, which is neutral and non-polar, with leucine, which is neutral and non-polar, at codon 11 of the STK11 protein (p.Met11Leu). This variant is present in population databases (no rsID available, gnomAD 0.001%). This variant has not been reported in the literature in individuals affected with STK11-related conditions. ClinVar contains an entry for this variant (Variation ID: 573702). Invitae Evidence Modeling of protein sequence and biophysical properties (such as structural, functional, and spatial information, amino acid conservation, physicochemical variation, residue mobility, and thermodynamic stability) indicates that this missense variant is not expected to disrupt STK11 protein function with a negative predictive value of 95%. In summary, the available evidence is currently insufficient to determine the role of this variant in disease. Therefore, it has been classified as a Variant of Uncertain Significance.

Center for Genomic Medicine, Rigshospitalet, Copenhagen University Hospital
Classification: Uncertain significance. Last evaluated: 2025-03-04. Review status: criteria provided, single submitter. Criteria: ACMG Guidelines, 2015. Collection method: clinical testing. Allele origin: germline.

All of Us Research Program, National Institutes of Health
Classification: Uncertain significance for Peutz-Jeghers syndrome. Last evaluated: 2024-03-24. Review status: criteria provided, single submitter. Criteria: ACMG Guidelines, 2015. Collection method: clinical testing. Allele origin: germline. Inheritance: Autosomal dominant inheritance. Observed: 2 variant alleles, 2 heterozygotes.
Comment: This missense variant replaces methionine with leucine at codon 11 of the STK11 protein. Computational prediction suggests that this variant may not impact protein structure and function (internally defined REVEL score threshold <= 0.5, PMID: 27666373). To our knowledge, functional studies have not been reported for this variant. This variant has not been reported in individuals affected with STK11-related disorders in the literature. This variant has been identified in 1/226714 chromosomes in the general population by the Genome Aggregation Database (gnomAD). The available evidence is insufficient to determine the role of this variant in disease conclusively. Therefore, this variant is classified as a Variant of Uncertain Significance.

This study involves interpretation of variants in research participants for the purpose of population health screening. Participant phenotype was not available at the time of variant classification. Additional details can be found in publication PMID: 35346344, PMCID: PMC8962531

Color Diagnostics, LLC DBA Color Health
Classification: Uncertain significance for Hereditary cancer-predisposing syndrome. Last evaluated: 2024-02-14. Review status: criteria provided, single submitter. Criteria: ACMG Guidelines, 2015. Collection method: clinical testing. Allele origin: germline.
Comment: This missense variant replaces methionine with leucine at codon 11 of the STK11 protein. Computational prediction suggests that this variant may not impact protein structure and function. To our knowledge, functional studies have not been reported for this variant. This variant has not been reported in individuals affected with STK11-related disorders in the literature. This variant has been identified in 1/226714 chromosomes in the general population by the Genome Aggregation Database (gnomAD). The available evidence is insufficient to determine the role of this variant in disease conclusively. Therefore, this variant is classified as a Variant of Uncertain Significance.

Centre of Medical Genetics, University Hospital Muenster
Classification: Uncertain significance. Last evaluated: 2021-12-17. Review status: criteria provided, single submitter. Criteria: ACMG Guidelines, 2015. Collection method: clinical testing. Allele origin: unknown. Affected: yes. Observed: 1 variant allele, 1 heterozygote.
Comment: ACMG categories: PM1,PM2

Genome-Nilou Lab
Classification: Uncertain significance for Peutz-Jeghers syndrome. Last evaluated: 2021-07-15. Review status: criteria provided, single submitter. Criteria: ACMG Guidelines, 2015. Collection method: clinical testing. Allele origin: germline. Affected: no.